The following is an entry in ClinVar:

ClinVar aggregate classification (germline): Conflicting classifications of pathogenicity. Review status: criteria provided, conflicting classifications (1 of 4 stars). 4 submissions from 4 submitters: Uncertain significance (2); Likely benign (1). 1 of the submissions does not count toward it. Last evaluated 2025-01-07.

Conditions:
KMT2D-related disorder. Also called: KMT2D-Related Disorders.
Kabuki syndrome 1 (KABUK1). Also called: KMT2D-Related Kabuki Syndrome. Identifiers: Orphanet 2322, MedGen CN030661, MONDO:0007843, OMIM 147920.
Choanal atresia-athelia-hypothyroidism-delayed puberty-short stature syndrome (BCAHH). Also called: BRANCHIAL ARCH ABNORMALITIES, CHOANAL ATRESIA, ATHELIA, HEARING LOSS, AND HYPOTHYROIDISM SYNDROME. Identifiers: Orphanet 589856, MedGen C5680310, MONDO:0035651, OMIM 620186.
Kabuki syndrome. Also called: NIIKAWA-KUROKI SYNDROME; Kabuki make-up syndrome. Identifiers: Orphanet 2322, MedGen C0796004, MONDO:0016512.

Allele frequency attached by ClinVar (database versions not stated): gnomAD exomes 0.00001; ExAC 0.00002.
gnomAD v4.1: 82 of 1,613,924 alleles (0.0051%); highest among the groups gnomAD compares: Non-Finnish European, 0.0069%; no homozygotes.

Submissions (4):

Labcorp Genetics (formerly Invitae), Labcorp
Classification: Likely benign for Kabuki syndrome. Last evaluated: 2025-01-07. Review status: criteria provided, single submitter. Criteria: Invitae Variant Classification Sherloc (09022015). Collection method: clinical testing. Allele origin: germline.

Fulgent Genetics
Classification: Uncertain significance for Kabuki syndrome 1; Choanal atresia-athelia-hypothyroidism-delayed puberty-short stature syndrome. Last evaluated: 2024-04-04. Review status: criteria provided, single submitter. Criteria: ACMG Guidelines, 2015. Collection method: clinical testing. Allele origin: germline.

GeneDx
Classification: Uncertain significance. Last evaluated: 2019-10-28. Review status: criteria provided, single submitter. Criteria: GeneDx Variant Classification Process June 2021. Collection method: clinical testing. Allele origin: germline. Affected: yes.
Comment: In silico analysis, which includes protein predictors and evolutionary conservation, supports a deleterious effect; Has not been previously published as pathogenic or benign to our knowledge

PreventionGenetics, part of Exact Sciences
Classification: Uncertain significance for KMT2D-related condition. Last evaluated: 2024-09-12. Review status: no assertion criteria provided. Collection method: clinical testing. Allele origin: germline. Not counted in ClinVar's aggregate classification.
Comment: The KMT2D c.620T>A variant is predicted to result in the amino acid substitution p.Met207Lys. To our knowledge, this variant has not been reported in the literature. This variant is reported in 0.0027% of alleles in individuals of European (Non-Finnish) descent in gnomAD. At this time, the clinical significance of this variant is uncertain due to the absence of conclusive functional and genetic evidence.

NM_003482.4(KMT2D):c.620T>A (p.Met207Lys)

Gene: KMT2D (lysine methyltransferase 2D; minus strand). Cytogenetic location: 12q13.12.
Variant type: single nucleotide variant.
Coding change: c.620T>A on transcript NM_003482.4 (MANE Select); coding-DNA position 620, T replaced by A.
Protein change: p.Met207Lys; replaces methionine 207 with lysine.
Molecular consequence: missense variant.
Genome position (GRCh38, 1-based): chr12:49,054,031, A>T on the plus strand (T>A on the coding strand, the complement: KMT2D is on the minus strand). VCF-style: chr12-49054031-A-T. GRCh37 (hg19) VCF-style: chr12-49447814-A-T.
Other names: short protein forms M207K.
Identifiers: ClinVar variation 1309734 (VCV001309734.7), dbSNP rs757625928, ClinGen allele CA6548690.